The following is an entry in ClinVar:

ClinVar aggregate classification (germline): Uncertain significance (1 of 4 stars; one submission).

Conditions:
Renal cell carcinoma. Identifiers: Orphanet 217071, MedGen C0007134, MeSH D002292, MONDO:0005086, HP:0005584.

Submission:

Labcorp Genetics (formerly Invitae), Labcorp
Classification: Uncertain significance for Renal cell carcinoma. Last evaluated: 2020-07-13. Review status: criteria provided, single submitter. Criteria: Invitae Variant Classification Sherloc (09022015). Collection method: clinical testing. Allele origin: germline.
Comment: In summary, the available evidence is currently insufficient to determine the role of this variant in disease. Therefore, it has been classified as a Variant of Uncertain Significance. The current clinical and genetic evidence is not sufficient to establish whether loss-of-function variants in MET cause disease. This variant has not been reported in the literature in individuals with MET-related conditions. This variant is not present in population databases (ExAC no frequency). This sequence change creates a premature translational stop signal (p.Tyr681*) in the MET gene. It is expected to result in an absent or disrupted protein product.

NM_000245.4(MET):c.2043C>G (p.Tyr681Ter)

Gene: MET (MET proto-oncogene, receptor tyrosine kinase; plus strand). Cytogenetic location: 7q31.2.
Variant type: single nucleotide variant.
Coding change: c.2043C>G on transcript NM_000245.4 (MANE Select); coding-DNA position 2043, C replaced by G.
Protein change: p.Tyr681Ter; replaces tyrosine 681 with a stop codon.
Molecular consequence: nonsense.
Genome position (GRCh38, 1-based): chr7:116,757,715, C>G. VCF-style: chr7-116757715-C-G. GRCh37 (hg19) VCF-style: chr7-116397769-C-G.
Other names: c.2043C>G, p.Tyr681Ter (NM_001127500.3, NM_001324401.3); c.753C>G, p.Tyr251Ter (NM_001324402.2); short protein forms Y251*, Y681*.
Identifiers: ClinVar variation 1036004 (VCV001036004.6), dbSNP rs1354964885, ClinGen allele CA368979919.
Genomic context (GRCh38, chr7:116,757,715, plus strand): 5'-TATTTCGCCGAAATACGGTCCTATGGCTGGTGGCACTTTACTTACTTTAACTGGAAATTA[C>G]CTAAACAGTGGGAATTCTAGACACATTTCAATTGGTGGAAAAACATGTACTTTAAAAAGG-3'